The following is an entry in ClinVar:

ClinVar aggregate classification (germline): Uncertain significance (1 of 4 stars; one submission).

Submission:

Labcorp Genetics (formerly Invitae), Labcorp
Classification: Uncertain significance. Last evaluated: 2024-02-14. Review status: criteria provided, single submitter. Criteria: Invitae Variant Classification Sherloc (09022015). Collection method: clinical testing. Allele origin: germline.
Comment: This sequence change replaces phenylalanine, which is neutral and non-polar, with valine, which is neutral and non-polar, at codon 1951 of the ZNF462 protein (p.Phe1951Val). This variant is not present in population databases (gnomAD no frequency). This variant has not been reported in the literature in individuals affected with ZNF462-related conditions. An algorithm developed to predict the effect of missense changes on protein structure and function (PolyPhen-2) suggests that this variant is likely to be tolerated. In summary, the available evidence is currently insufficient to determine the role of this variant in disease. Therefore, it has been classified as a Variant of Uncertain Significance.

NM_021224.6(ZNF462):c.5851T>G (p.Phe1951Val)

Gene: ZNF462 (zinc finger protein 462; plus strand). Cytogenetic location: 9q31.2.
Variant type: single nucleotide variant.
Coding change: c.5851T>G on transcript NM_021224.6 (MANE Select); coding-DNA position 5851, T replaced by G.
Protein change: p.Phe1951Val; replaces phenylalanine 1951 with valine.
Molecular consequence: missense variant.
Genome position (GRCh38, 1-based): chr9:106,930,528, T>G. VCF-style: chr9-106930528-T-G. GRCh37 (hg19) VCF-style: chr9-109692809-T-G.
Other names: c.3256T>G, p.Phe1086Val (NM_001347997.2); short protein forms F1086V, F1951V.
Identifiers: ClinVar variation 3689409 (VCV003689409.2).